The following is an entry in ClinVar:

NM_032357.4(VMA22):c.334G>T (p.Glu112Ter)

Gene: VMA22 (vacuolar ATPase assembly factor VMA22; minus strand). Cytogenetic location: 2q21.1.
Variant type: single nucleotide variant.
Coding change: c.334G>T on transcript NM_032357.4 (MANE Select); coding-DNA position 334, G replaced by T.
Protein change: p.Glu112Ter; replaces glutamic acid 112 with a stop codon.
Molecular consequence: nonsense. On other transcripts: non-coding transcript variant (2).
Genome position (GRCh38, 1-based): chr2:130,341,004, C>A on the plus strand (G>T on the coding strand, the complement: VMA22 is on the minus strand). VCF-style: chr2-130341004-C-A. GRCh37 (hg19) VCF-style: chr2-131098577-C-A.
Other names: c.319G>T, p.Glu107Ter (NM_001321118.1); c.310G>T, p.Glu104Ter (NM_001321119.2); short protein forms E112*, E107*, E104*.
Identifiers: ClinVar variation 4993056 (VCV004993056.1).
Genomic context (GRCh38, chr2:130,341,004, plus strand): 5'-GAGGAACTAGGATTCCAAACCAGTTCAGGGGGTCCTGAGGGGCCTCAGAGGACTCCGGTT[C>A]TGGGGTCTTAGTGGGGCCCTTGCGCCTCCGCAGACCTGAGGAAAGAAAGGTTGGAGGAGG-3'

ClinVar aggregate classification (germline): Likely pathogenic (1 of 4 stars; one submission).

Conditions:
VMA22-related condition.

Submission:

PreventionGenetics, part of Exact Sciences
Classification: Likely pathogenic for VMA22-related condition. Last evaluated: 2026-07-05. Review status: criteria provided, single submitter. Criteria: ACMG Guidelines, 2015. Collection method: clinical testing. Allele origin: germline.
Comment: The VMA22 c.334G>T variant is predicted to result in premature protein termination (p.Glu112*). To our knowledge, this variant has not been reported in the literature or in a large population database (gnomAD), indicating this variant is rare. Nonsense variants in VMA22 are expected to be pathogenic. This variant is interpreted as likely pathogenic.